The following is an entry in ClinVar:

ClinVar aggregate classification (germline): Likely pathogenic. Review status: criteria provided, multiple submitters, no conflicts (2 of 4 stars). 4 submissions from 4 submitters: Likely pathogenic (4). Last evaluated 2024-08-07.

Conditions:
Pulmonary hypertension, neonatal, susceptibility to (PHN). Identifiers: MedGen C3714958, MONDO:0014151, OMIM 615371.
Congenital hyperammonemia, type I. Also called: Carbamoyl phosphate synthetase I deficiency disease; Carbamoyl-phosphate synthase I deficiency; CPS I DEFICIENCY; Carbamoyl phosphate synthetase 1 deficiency; Hyperammonemia due to carbamoyl phosphate synthetase 1 deficiency; CPS 1 deficiency. Identifiers: Orphanet 147, MedGen C4082171, MONDO:0009376, OMIM 237300.

Allele frequency attached by ClinVar (database versions not stated): gnomAD exomes 0.00001.
gnomAD v4.1: 17 of 1,612,932 alleles (0.0011%); highest among the groups gnomAD compares: Non-Finnish European, 0.0014%; no homozygotes.

Submissions (4):

Natera, Inc.
Classification: Likely pathogenic for Carbamoyl-phosphate synthase I deficiency. Last evaluated: 2024-08-07. Review status: criteria provided, single submitter. Criteria: Natera Variant Classification Schema (03/2026). Collection method: clinical testing. Allele origin: germline.
Comment: The c.2876A>G variant in CPS1 is a missense variant predicted to cause substitution of tyrosine to cysteine at amino acid 959. This variant is rare in the general population with a frequency below the threshold expected for the associated phenotype(s). This variant has been observed in one or more individuals affected with the associated recessive disease, as either homozygous or compound heterozygous with a second variant (PMID: 33611823). This variant has been identified in one or more affected individuals with a phenotype highly consistent with the associated gene (PMID: 33611823). Computational prediction algorithms indicate this variant is likely to affect gene or protein function. Given the available evidence, this variant is classified as Likely Pathogenic.

Fulgent Genetics
Classification: Likely pathogenic for Congenital hyperammonemia, type I; Pulmonary hypertension, neonatal, susceptibility to. Last evaluated: 2024-06-15. Review status: criteria provided, single submitter. Criteria: ACMG Guidelines, 2015. Collection method: clinical testing. Allele origin: germline.

Baylor Genetics
Classification: Likely pathogenic for Pulmonary hypertension, neonatal, susceptibility to. Last evaluated: 2023-12-27. Review status: criteria provided, single submitter. Criteria: ACMG Guidelines, 2015. Collection method: clinical testing. Allele origin: unknown.

Juno Genomics, Hangzhou Juno Genomics, Inc
Classification: Likely pathogenic for Congenital hyperammonemia, type I. Review status: criteria provided, single submitter. Criteria: ACMG Guidelines, 2015. Collection method: clinical testing. Allele origin: germline.
Comment: Multiple lines of computational evidence support a deleterious effect on the gene or gene product.;Absent from controls (or at extremely low frequency if recessive) in Genome Aggregation Database.;Patient's phenotype or family history is highly specific for a disease with a single genetic etiology.

Literature cited by the submitters: PubMed 33611823 (cited by Natera, Inc.).

NM_001875.5(CPS1):c.2876A>G (p.Tyr959Cys)

Gene: CPS1 (carbamoyl-phosphate synthase 1; plus strand). Cytogenetic location: 2q34.
Variant type: single nucleotide variant.
Coding change: c.2876A>G on transcript NM_001875.5 (MANE Select); coding-DNA position 2876, A replaced by G.
Protein change: p.Tyr959Cys; replaces tyrosine 959 with cysteine.
Molecular consequence: missense variant. On other transcripts: non-coding transcript variant (2).
Genome position (GRCh38, 1-based): chr2:210,639,196, A>G. VCF-style: chr2-210639196-A-G. GRCh37 (hg19) VCF-style: chr2-211503920-A-G.
Other names: c.2876A>G, p.Tyr959Cys (NM_001122633.3, NM_001369257.1); c.2909A>G, p.Tyr970Cys (NM_001369256.1); short protein forms Y959C, Y970C.
Identifiers: ClinVar variation 2680883 (VCV002680883.6), dbSNP rs1191587211, ClinGen allele CA350431934.
Genomic context (GRCh38, chr2:210,639,196, plus strand): 5'-GTTTTCTCTTACAGATTGATACACTGGCTGCAGAATACCCATCAGTAACAAACTATCTCT[A>G]TGTTACCTACAATGGTCAGGTAGGAATGGGCAAATTGGCCTATCCAGAAAGCTCTAGATT-3'
Protein context (NP_001866.2, residues 949-969): AEYPSVTNYL[Tyr959Cys]VTYNGQEHDV